The following is an entry in ClinVar:

NM_206933.4(USH2A):c.11728G>C (p.Glu3910Gln)

Gene: USH2A (usherin; minus strand). Cytogenetic location: 1q41.
Variant type: single nucleotide variant.
Coding change: c.11728G>C on transcript NM_206933.4 (MANE Select); coding-DNA position 11728, G replaced by C.
Protein change: p.Glu3910Gln; replaces glutamic acid 3910 with glutamine.
Molecular consequence: missense variant.
Genome position (GRCh38, 1-based): chr1:215,728,368, C>G on the plus strand (G>C on the coding strand, the complement: USH2A is on the minus strand). VCF-style: chr1-215728368-C-G. GRCh37 (hg19) VCF-style: chr1-215901710-C-G.
Other names: short protein forms E3910Q.
Identifiers: ClinVar variation 505714 (VCV000505714.11), dbSNP rs1436435041, ClinGen allele CA344829835.

ClinVar aggregate classification (germline): Uncertain significance. Review status: criteria provided, multiple submitters, no conflicts (2 of 4 stars). 6 submissions from 5 submitters: Uncertain significance (5). 1 of the submissions does not count toward it. Last evaluated 2026-02-16.

Conditions:
Usher syndrome type 2A. Also called: RETINAL DISEASE IN USHER SYNDROME TYPE IIA, MODIFIER OF; USHER SYNDROME, TYPE IIA. Identifiers: Orphanet 231178, Orphanet 886, MedGen C1848634, MONDO:0010169, OMIM 276901.
Retinitis pigmentosa 39 (RP39). Identifiers: Orphanet 791, MedGen C3151138, MONDO:0013436, OMIM 613809.
Inborn genetic diseases. Identifiers: MedGen C0950123, MeSH D030342.

Allele frequency attached by ClinVar (database versions not stated): gnomAD exomes below 0.00001; TOPMed below 0.00001.
gnomAD v4.1: 1 of 1,614,104 alleles (0.000062%); highest among the groups gnomAD compares: Admixed American, 0.0017%; no homozygotes.

Submissions (6):

Ambry Genetics
Classification: Uncertain significance for Inborn genetic diseases. Last evaluated: 2026-02-16. Review status: criteria provided, single submitter. Criteria: Ambry Variant Classification Scheme 2023. Collection method: clinical testing. Allele origin: germline.

Genome-Nilou Lab
Classification: Uncertain significance for Retinitis pigmentosa 39. Last evaluated: 2023-11-04. Review status: criteria provided, single submitter. Criteria: ACMG Guidelines, 2015. Collection method: clinical testing. Allele origin: germline. Affected: no.

Genome-Nilou Lab
Classification: Uncertain significance for Usher syndrome type 2A. Last evaluated: 2023-11-04. Review status: criteria provided, single submitter. Criteria: ACMG Guidelines, 2015. Collection method: clinical testing. Allele origin: germline. Affected: no.

ARUP Laboratories, Molecular Genetics and Genomics, ARUP Laboratories
Classification: Uncertain significance. Last evaluated: 2022-03-01. Review status: criteria provided, single submitter. Criteria: ARUP Molecular Germline Variant Investigation Process 2021. Collection method: clinical testing. Allele origin: germline.

Laboratory for Molecular Medicine, Mass General Brigham Personalized Medicine
Classification: Uncertain significance. Last evaluated: 2017-04-20. Review status: criteria provided, single submitter. Criteria: LMM Criteria. Collection method: clinical testing. Allele origin: germline. Observed: 1 variant allele.
Comment: The p.Glu3910Gln variant in USH2A has not been previously reported in individual s with hearing loss or Usher syndrome and was absent from large population studi es. Glutamic acid (Glu) at position 3910 is not conserved in mammals or evolutio narily distant species raising the possibility that this change may be tolerated . Additional computational prediction tools suggest that the p.Glu3910Gln varian t may not impact the protein, though this information is not predictive enough t o rule out pathogenicity. In summary, the clinical significance of the Glu3910Gl n variant is uncertain.

Natera, Inc.
Classification: Uncertain significance for Usher syndrome type 2A. Last evaluated: 2021-10-13. Review status: no assertion criteria provided. Collection method: clinical testing. Allele origin: germline. Not counted in ClinVar's aggregate classification.